The following is an entry in ClinVar:

NM_024537.4(CARS2):c.542C>T (p.Ala181Val)

Gene: CARS2 (cysteinyl-tRNA synthetase 2, mitochondrial; minus strand). Cytogenetic location: 13q34.
Variant type: single nucleotide variant.
Coding change: c.542C>T on transcript NM_024537.4 (MANE Select); coding-DNA position 542, C replaced by T.
Protein change: p.Ala181Val; replaces alanine 181 with valine.
Molecular consequence: missense variant. On other transcripts: 5 prime UTR variant (1), non-coding transcript variant (2).
Genome position (GRCh38, 1-based): chr13:110,687,750, G>A on the plus strand (C>T on the coding strand, the complement: CARS2 is on the minus strand). VCF-style: chr13-110687750-G-A. GRCh37 (hg19) VCF-style: chr13-111340097-G-A.
Other names: c.-458C>T (NM_001352252.2); c.542C>T, p.Ala181Val (NM_001352253.3); short protein forms A181V.
Identifiers: ClinVar variation 1021230 (VCV001021230.8), dbSNP rs1443254892, ClinGen allele CA388738131.

ClinVar aggregate classification (germline): Uncertain significance (1 of 4 stars; one submission).

Conditions:
Combined oxidative phosphorylation defect type 27. Also called: Combined oxidative phosphorylation deficiency 27. Identifiers: Orphanet 477774, MedGen C5567608, MONDO:0014728, OMIM 616672.

Allele frequency attached by ClinVar (database versions not stated): gnomAD exomes below 0.00001.

Submission:

Labcorp Genetics (formerly Invitae), Labcorp
Classification: Uncertain significance for Combined oxidative phosphorylation defect type 27. Last evaluated: 2022-01-15. Review status: criteria provided, single submitter. Criteria: Invitae Variant Classification Sherloc (09022015). Collection method: clinical testing. Allele origin: germline.
Comment: Algorithms developed to predict the effect of missense changes on protein structure and function are either unavailable or do not agree on the potential impact of this missense change (SIFT: "Tolerated"; PolyPhen-2: "Possibly Damaging"; Align-GVGD: "Class C0"). ClinVar contains an entry for this variant (Variation ID: 1021230). This variant has not been reported in the literature in individuals affected with CARS2-related conditions. In summary, the available evidence is currently insufficient to determine the role of this variant in disease. Therefore, it has been classified as a Variant of Uncertain Significance. This variant is present in population databases (no rsID available, gnomAD no frequency). This sequence change replaces alanine, which is neutral and non-polar, with valine, which is neutral and non-polar, at codon 181 of the CARS2 protein (p.Ala181Val).